The following is an entry in ClinVar:

NM_001128178.3(NPHP1):c.745A>T (p.Ser249Cys)

Gene: NPHP1 (nephrocystin 1; minus strand). Cytogenetic location: 2q13.
Variant type: single nucleotide variant.
Coding change: c.745A>T on transcript NM_001128178.3 (MANE Select); coding-DNA position 745, A replaced by T.
Protein change: p.Ser249Cys; replaces serine 249 with cysteine.
Molecular consequence: missense variant.
Genome position (GRCh38, 1-based): chr2:110,164,714, T>A on the plus strand (A>T on the coding strand, the complement: NPHP1 is on the minus strand). VCF-style: chr2-110164714-T-A. GRCh37 (hg19) VCF-style: chr2-110922291-T-A.
Other names: c.745A>T, p.Ser249Cys (NM_000272.5, NM_001374256.1, NM_001374257.1 and 1 more transcripts); c.559A>T, p.Ser187Cys (NM_001128179.3); short protein forms S187C, S249C.
Identifiers: ClinVar variation 5001447 (VCV005001447.1).

ClinVar aggregate classification (germline): Uncertain significance (1 of 4 stars; one submission).

Conditions:
NPHP1-related disorder. Also called: NPHP1-related disorders; NPHP1-related condition.

gnomAD v4.1: 1 of 1,613,940 alleles (0.000062%); highest among the groups gnomAD compares: South Asian, 0.0011%; no homozygotes.

Submission:

PreventionGenetics, part of Exact Sciences
Classification: Uncertain significance for NPHP1-related condition. Last evaluated: 2025-04-25. Review status: criteria provided, single submitter. Criteria: ACMG Guidelines, 2015. Collection method: clinical testing. Allele origin: germline.
Comment: The NPHP1 c.745A>T variant is predicted to result in the amino acid substitution p.Ser249Cys. To our knowledge, this variant has not been reported in the literature or in a large population database (gnomAD), indicating this variant is rare. At this time, the clinical significance of this variant is uncertain due to the absence of conclusive functional and genetic evidence.